The following is an entry in ClinVar:

ClinVar aggregate classification (germline): Benign/Likely benign. Review status: criteria provided, multiple submitters, no conflicts (2 of 4 stars). 3 submissions from 3 submitters: Benign (1); Likely benign (2). Last evaluated 2025-08-09.

Conditions:
Hereditary cancer-predisposing syndrome. Also called: Hereditary Cancer Syndrome; Neoplastic Syndromes, Hereditary; Tumor predisposition; Hereditary neoplastic syndrome. Identifiers: Orphanet 140162, MedGen C0027672, MeSH D009386, MONDO:0015356.
Ataxia-telangiectasia syndrome (AT). Also called: Cerebello-oculocutaneous telangiectasia; Immunodeficiency with ataxia telangiectasia; Ataxia-telangiectasia, complementation group E; Ataxia-telangiectasia, complementation group D; AT, COMPLEMENTATION GROUP C; ATAXIA-TELANGIECTASIA, COMPLEMENTATION GROUP A. Identifiers: Orphanet 100, MedGen C0004135, MONDO:0008840, OMIM 208900.
Familial cancer of breast. Also called: BREAST CANCER, FAMILIAL; Hereditary breast cancer; hereditary breast carcinoma. Identifiers: Orphanet 227535, MedGen C0346153, MONDO:0016419, OMIM 114480. Disease mechanism: loss of function.

Allele frequency attached by ClinVar (database versions not stated): TOPMed below 0.00001; gnomAD 0.00001.
gnomAD v4.1: 1 of 1,611,316 alleles (0.000062%); highest among the groups gnomAD compares: Admixed American, 0.0017%; no homozygotes.

Submissions (3):

Ambry Genetics
Classification: Likely benign for Hereditary cancer-predisposing syndrome. Last evaluated: 2025-08-09. Review status: criteria provided, single submitter. Criteria: Ambry Variant Classification Scheme 2023. Collection method: clinical testing. Allele origin: germline.

Myriad Genetics, Inc.
Classification: Benign for Familial cancer of breast. Last evaluated: 2024-05-30. Review status: criteria provided, single submitter. Criteria: Myriad Autosomal Dominant, Autosomal Recessive and X-Linked Classification Criteria (2023). Collection method: clinical testing. Allele origin: unknown.
Comment: This variant is considered benign. This variant is a silent/synonymous amino acid change and it is not expected to impact splicing.

Labcorp Genetics (formerly Invitae), Labcorp
Classification: Likely benign for Ataxia-telangiectasia syndrome. Last evaluated: 2024-03-13. Review status: criteria provided, single submitter. Criteria: Invitae Variant Classification Sherloc (09022015). Collection method: clinical testing. Allele origin: germline.

NM_000051.4(ATM):c.6012T>C (p.Leu2004=)

Genes: ATM (ATM serine/threonine kinase; plus strand), C11orf65 (chromosome 11 open reading frame 65; minus strand). Cytogenetic location: 11q22.3.
Variant type: single nucleotide variant.
Coding change: c.6012T>C on transcript NM_000051.4 (MANE Select); coding-DNA position 6012, T replaced by C.
Protein change: p.Leu2004=; no amino-acid change (leucine 2004 retained).
Molecular consequence: synonymous variant. On other transcripts: intron variant (2).
Genome position (GRCh38, 1-based): chr11:108,315,828, T>C. VCF-style: chr11-108315828-T-C. GRCh37 (hg19) VCF-style: chr11-108186555-T-C.
Other names: c.6012T>C, p.Leu2004= (NM_001351834.2); c.641-6757A>G (NM_001330368.2); c.*39-6757A>G (NM_001351110.2).
Identifiers: ClinVar variation 524470 (VCV000524470.11), dbSNP rs1324998068, ClinGen allele CA476675574.